The following is an entry in ClinVar:

ClinVar aggregate classification (germline): Uncertain significance (1 of 4 stars; one submission).

Submission:

CeGaT Center for Human Genetics Tuebingen
Classification: Uncertain significance. Last evaluated: 2026-08-01. Review status: criteria provided, single submitter. Criteria: CeGaT Center For Human Genetics Tuebingen Variant Classification Criteria Version 2. Collection method: clinical testing. Allele origin: germline. Affected: yes. Observed: 1 variant allele.
Comment: DOT1L: PM2, BP4

NM_032482.3(DOT1L):c.3227T>A (p.Val1076Glu)

Gene: DOT1L (DOT1 like histone lysine methyltransferase; plus strand). Cytogenetic location: 19p13.3.
Variant type: single nucleotide variant.
Coding change: c.3227T>A on transcript NM_032482.3 (MANE Select); coding-DNA position 3227, T replaced by A.
Protein change: p.Val1076Glu; replaces valine 1076 with glutamic acid.
Molecular consequence: missense variant.
Genome position (GRCh38, 1-based): chr19:2,222,396, T>A. VCF-style: chr19-2222396-T-A. GRCh37 (hg19) VCF-style: chr19-2222395-T-A.
Other names: c.3227T>A, p.Val1076Glu (NM_001411141.1); short protein forms V1076E.
Identifiers: ClinVar variation 5040709 (VCV005040709.1).